The following is an entry in ClinVar:

ClinVar aggregate classification (germline): Pathogenic. Review status: criteria provided, multiple submitters, no conflicts (2 of 4 stars). 2 submissions from 2 submitters: Pathogenic (2). Last evaluated 2026-08-25.

Conditions:
Familial cancer of breast. Also called: BREAST CANCER, FAMILIAL; hereditary breast carcinoma; Hereditary breast cancer. Identifiers: Orphanet 227535, MedGen C0346153, MONDO:0016419, OMIM 114480. Disease mechanism: loss of function.
Hereditary cancer-predisposing syndrome. Also called: Hereditary neoplastic syndrome; Hereditary Cancer Syndrome; Neoplastic Syndromes, Hereditary; Tumor predisposition. Identifiers: Orphanet 140162, MedGen C0027672, MeSH D009386, MONDO:0015356.

Submissions (2):

Ambry Genetics
Classification: Pathogenic for Hereditary cancer-predisposing syndrome. Last evaluated: 2026-08-25. Review status: criteria provided, single submitter. Criteria: Ambry Variant Classification Scheme 2023. Collection method: clinical testing. Allele origin: germline.
Comment: The c.2364_2366delTGTins23 variant, located in coding exon 15 of the BRIP1 gene, results from the deletion of 3 nucleotides and insertion of 23 nucleotides causing a translational frameshift with a predicted alternate stop codon (p.V789Nfs*15). This variant is considered to be rare based on population cohorts in the Genome Aggregation Database (gnomAD). This alteration is expected to result in loss of function by premature protein truncation or nonsense-mediated mRNA decay. As such, this alteration is interpreted as a disease-causing mutation.

Myriad Genetics, Inc.
Classification: Pathogenic for Familial cancer of breast. Last evaluated: 2023-06-06. Review status: criteria provided, single submitter. Criteria: Myriad Autosomal Dominant, Autosomal Recessive and X-Linked Classification Criteria (2023). Collection method: clinical testing. Allele origin: unknown.
Comment: This variant is considered pathogenic. This variant creates a frameshift predicted to result in premature protein truncation.

NM_032043.3(BRIP1):c.2364_2366delinsCAATAGGAATTCCTTTACCTGTA (p.Val789fs)

Gene: BRIP1 (BRCA1 interacting DNA helicase 1; minus strand). Cytogenetic location: 17q23.2.
Variant type: Indel.
Coding change: c.2364_2366delinsCAATAGGAATTCCTTTACCTGTA on transcript NM_032043.3 (MANE Select); coding-DNA positions 2364 to 2366, TGT replaced by CAATAGGAATTCCTTTACCTGTA.
Protein change: p.Val789fs; shifts the reading frame from valine 789.
Molecular consequence: frameshift variant.
Genome position (GRCh38, 1-based): chr17:61,743,026-61,743,028, ACA replaced by TACAGGTAAAGGAATTCCTATTG on the plus strand (TGT replaced by CAATAGGAATTCCTTTACCTGTA on the coding strand, the reverse complement: BRIP1 is on the minus strand). VCF-style: chr17-61743026-ACA-TACAGGTAAAGGAATTCCTATTG. GRCh37 (hg19) VCF-style: chr17-59820387-ACA-TACAGGTAAAGGAATTCCTATTG.
Other names: short protein forms V789fs.
Identifiers: ClinVar variation 2583452 (VCV002583452.3), dbSNP rs2544825619, ClinGen allele CA2582342204.